The following is an entry in ClinVar:

ClinVar aggregate classification (germline): Pathogenic/Likely pathogenic. Review status: criteria provided, multiple submitters, no conflicts (2 of 4 stars). 5 submissions from 5 submitters: Pathogenic (2); Likely pathogenic (1). 2 of the submissions do not count toward it. Last evaluated 2025-03-10.

Conditions:
FGD1-related disorder. Also called: FGD1-related disorders; FGD1-related condition.
Aarskog syndrome (AAS). Also called: FGD1-Related Faciogenital Dysplasia (Aarskog-Scott Syndrome); Aarskog Scott syndrome; Aarskog disease; Aarskog-Scott syndrome, X-linked; FGDY. Identifiers: Orphanet 915, MedGen C0175701, MONDO:0010589, OMIM 305400.

Submissions (5):

GeneDx
Classification: Pathogenic. Last evaluated: 2025-03-10. Review status: criteria provided, single submitter. Criteria: GeneDx Variant Classification Process June 2021. Collection method: clinical testing. Allele origin: germline. Affected: yes.
Comment: Published functional studies demonstrate a damaging effect as this variant reduced MLK3 kinase activation (PMID: 21965325); Not observed at significant frequency in large population cohorts (gnomAD); In silico analysis supports that this missense variant has a deleterious effect on protein structure/function; This variant is associated with the following publications: (PMID: 20082460, 22854039, 10930571, 14560308, 21965325)

Blueprint Genetics
Classification: Likely pathogenic for FGD1-related disorders. Last evaluated: 2023-04-18. Review status: criteria provided, single submitter. Criteria: ACMG Guidelines, 2015. Collection method: clinical testing. Allele origin: germline. Affected: yes. Observed: 1 variant allele.

Labcorp Genetics (formerly Invitae), Labcorp
Classification: Pathogenic. Last evaluated: 2022-06-14. Review status: criteria provided, single submitter. Criteria: Invitae Variant Classification Sherloc (09022015). Collection method: clinical testing. Allele origin: germline.
Comment: Advanced modeling of protein sequence and biophysical properties (such as structural, functional, and spatial information, amino acid conservation, physicochemical variation, residue mobility, and thermodynamic stability) performed at Invitae indicates that this missense variant is expected to disrupt FGD1 protein function. ClinVar contains an entry for this variant (Variation ID: 10825). This missense change has been observed in individuals with Aarskog-Scott syndrome (PMID: 10930571; Invitae). It has also been observed to segregate with disease in related individuals. This variant is not present in population databases (gnomAD no frequency). This sequence change replaces arginine, which is basic and polar, with glutamine, which is neutral and polar, at codon 610 of the FGD1 protein (p.Arg610Gln). For these reasons, this variant has been classified as Pathogenic.

Istanbul Faculty of Medicine, Istanbul University
Classification: Pathogenic for Aarskog syndrome. Last evaluated: 2024-10-02. Review status: no assertion criteria provided. Collection method: clinical testing. Allele origin: germline. Affected: yes. Observed: 2 variant alleles. Not counted in ClinVar's aggregate classification.
Comment: PM3, PP1, PS3, PM2, PP3, PP2

OMIM
Classification: Pathogenic for AARSKOG-SCOTT SYNDROME. Last evaluated: 2000-08-04. Review status: no assertion criteria provided. Collection method: literature only. Allele origin: germline. Not counted in ClinVar's aggregate classification.

Literature cited by the submitters: PubMed 10930571 (cited by Labcorp Genetics (formerly Invitae), Labcorp and OMIM).

NM_004463.3(FGD1):c.1829G>A (p.Arg610Gln)

Gene: FGD1 (FYVE, RhoGEF and PH domain containing 1; minus strand). Cytogenetic location: Xp11.22.
Variant type: single nucleotide variant.
Coding change: c.1829G>A on transcript NM_004463.3 (MANE Select); coding-DNA position 1829, G replaced by A.
Protein change: p.Arg610Gln; replaces arginine 610 with glutamine.
Molecular consequence: missense variant.
Genome position (GRCh38, 1-based): chrX:54,456,233, C>T on the plus strand (G>A on the coding strand, the complement: FGD1 is on the minus strand). VCF-style: chrX-54456233-C-T. GRCh37 (hg19) VCF-style: chrX-54482666-C-T.
Other names: short protein forms R610Q.
Identifiers: ClinVar variation 10825 (VCV000010825.11), dbSNP rs28935497, ClinGen allele CA121189.
Genomic context (GRCh38, chrX:54,456,233, plus strand): 5'-TGTTGGGAGGGGCATGACCCACCCACAATTCCATGCCTGGCACTTACTAGTATGAGGTAT[C>T]GGTCTTGAGTGGTCCCATTCTTTGCTGACAGCTTAAGGATGTGGCCTTCTTTTATGAGCT-3'
Protein context (NP_004454.2, residues 600-620): LSAKNGTTQD[Arg610Gln]YLILFNDRLL